The following is an entry in ClinVar:

NM_080425.4(GNAS):c.1541C>T (p.Ala514Val)

Gene: GNAS (GNAS complex locus; plus strand). Cytogenetic location: 20q13.32.
Variant type: single nucleotide variant.
Coding change: c.1541C>T on transcript NM_080425.4 (MANE Plus Clinical); coding-DNA position 1541, C replaced by T.
Protein change: p.Ala514Val; replaces alanine 514 with valine.
Molecular consequence: missense variant. On other transcripts: intron variant (3).
Genome position (GRCh38, 1-based): chr20:58,854,806, C>T. VCF-style: chr20-58854806-C-T. GRCh37 (hg19) VCF-style: chr20-57429861-C-T.
Other names: c.1354C>T, p.Pro452Ser (NM_001077490.3, NM_001309883.1); c.1541C>T, p.Ala514Val (NM_001410913.1); c.*42+13920C>T (NM_016592.5); c.43+13920C>T (NM_001410912.1); c.-39+12931C>T (NM_001309861.2); short protein forms P452S, A514V.
Identifiers: ClinVar variation 4979379 (VCV004979379.1).
Genomic context (GRCh38, chr20:58,854,806, plus strand): 5'-CAGGGGCTCCCACTGCCCCAGCCGCTTCTGCCACCCGGGCAGCCCAAGTCCGCCGGGCGG[C>T]CTCTGCAGCCCCTGCCTCCGGGGCCAGACGCAAGATCCATCTCAGACCCCCCAGCCCCGA-3'
Protein context (NP_536350.2, residues 504-524): ATRAAQVRRA[Ala514Val]SAAPASGARR

ClinVar aggregate classification (germline): Uncertain significance (1 of 4 stars; one submission).

Conditions:
GNAS-related disorder. Identifiers: MedGen CN380105.

gnomAD v4.1: 3 of 1,585,722 alleles (0.00019%); highest among the groups gnomAD compares: Non-Finnish European, 0.00026%; no homozygotes.

Submission:

PreventionGenetics, part of Exact Sciences
Classification: Uncertain significance for GNAS-related condition. Last evaluated: 2025-02-26. Review status: criteria provided, single submitter. Criteria: ACMG Guidelines, 2015. Collection method: clinical testing. Allele origin: germline.
Comment: The GNAS c.1541C>T variant is predicted to result in the amino acid substitution p.Ala514Val. To our knowledge, this variant has not been reported in the literature or in gnomAD, indicating this variant is rare. At this time, the clinical significance of this variant is uncertain due to the absence of conclusive functional and genetic evidence.